The following is an entry in ClinVar:

NM_014915.3(ANKRD26):c.1856A>C (p.Glu619Ala)

Gene: ANKRD26 (ankyrin repeat domain containing 26; minus strand). Cytogenetic location: 10p12.1.
Variant type: single nucleotide variant.
Coding change: c.1856A>C on transcript NM_014915.3 (MANE Select); coding-DNA position 1856, A replaced by C.
Protein change: p.Glu619Ala; replaces glutamic acid 619 with alanine.
Molecular consequence: missense variant.
Genome position (GRCh38, 1-based): chr10:27,046,482, T>G on the plus strand (A>C on the coding strand, the complement: ANKRD26 is on the minus strand). VCF-style: chr10-27046482-T-G. GRCh37 (hg19) VCF-style: chr10-27335411-T-G.
Other names: c.1853A>C, p.Glu618Ala (NM_001256053.2); short protein forms E619A, E618A.
Identifiers: ClinVar variation 3913788 (VCV003913788.1).

ClinVar aggregate classification (germline): Uncertain significance (1 of 4 stars; one submission).

Conditions:
Inborn genetic diseases. Identifiers: MedGen C0950123, MeSH D030342.

Submission:

Ambry Genetics
Classification: Uncertain significance for Inborn genetic diseases. Last evaluated: 2025-04-19. Review status: criteria provided, single submitter. Criteria: Ambry Variant Classification Scheme 2023. Collection method: clinical testing. Allele origin: germline.
Comment: The p.E619A variant (also known as c.1856A>C), located in coding exon 18 of the ANKRD26 gene, results from an A to C substitution at nucleotide position 1856. The glutamic acid at codon 619 is replaced by alanine, an amino acid with dissimilar properties. This amino acid position is conserved. In addition, this alteration is predicted to be tolerated by in silico analysis. Based on the available evidence, the clinical significance of this variant remains unclear.